The following is an entry in ClinVar:

ClinVar aggregate classification (germline): Likely benign. Review status: criteria provided, multiple submitters, no conflicts (2 of 4 stars). 4 submissions from 4 submitters: Likely benign (3). 1 of the submissions does not count toward it. Last evaluated 2024-10-20.

Conditions:
VPS13B-related disorder. Also called: VPS13B-related condition.
Cohen syndrome (COH1). Also called: PEPPER SYNDROME; Cutis verticis gyrata, retinitis pigmentosa, and sensorineural deafness. Identifiers: Orphanet 193, MedGen C0265223, MONDO:0008999, OMIM 216550.

Allele frequency attached by ClinVar (database versions not stated): gnomAD exomes below 0.00001.
gnomAD v4.1: 2 of 1,613,934 alleles (0.00012%); highest among the groups gnomAD compares: Non-Finnish European, 0.000085%; no homozygotes.

Submissions (4):

PreventionGenetics, part of Exact Sciences
Classification: Likely benign for VPS13B-related condition. Last evaluated: 2024-10-20. Review status: criteria provided, single submitter. Criteria: ACMG Guidelines, 2015. Collection method: clinical testing. Allele origin: germline.
Comment: This variant is classified as likely benign based on ACMG/AMP sequence variant interpretation guidelines (Richards et al. 2015 PMID: 25741868, with internal and published modifications).

Labcorp Genetics (formerly Invitae), Labcorp
Classification: Likely benign for Cohen syndrome. Last evaluated: 2024-02-07. Review status: criteria provided, single submitter. Criteria: Invitae Variant Classification Sherloc (09022015). Collection method: clinical testing. Allele origin: germline.

Blueprint Genetics
Classification: Likely benign. Last evaluated: 2022-05-06. Review status: criteria provided, single submitter. Criteria: ACMG Guidelines, 2015. Collection method: clinical testing. Allele origin: germline.

Natera, Inc.
Classification: Likely benign for Cohen syndrome. Last evaluated: 2020-09-16. Review status: no assertion criteria provided. Collection method: clinical testing. Allele origin: germline. Not counted in ClinVar's aggregate classification.

NM_152564.5(VPS13B):c.8703A>G (p.Gly2901=)

Gene: VPS13B (vacuolar protein sorting 13 homolog B; plus strand). Cytogenetic location: 8q22.2.
Variant type: single nucleotide variant.
Coding change: c.8703A>G on transcript NM_152564.5 (MANE Select); coding-DNA position 8703, A replaced by G.
Protein change: p.Gly2901=; no amino-acid change (glycine 2901 retained).
Molecular consequence: synonymous variant.
Genome position (GRCh38, 1-based): chr8:99,819,493, A>G. VCF-style: chr8-99819493-A-G. GRCh37 (hg19) VCF-style: chr8-100831721-A-G.
Other names: c.8703A>G (NM_152564.4); c.8778A>G, p.Gly2926= (NM_017890.5).
Identifiers: ClinVar variation 800077 (VCV000800077.13), dbSNP rs1588744960, ClinGen allele CA462339490.
Genomic context (GRCh38, chr8:99,819,493, plus strand): 5'-TTGTGCAGTTCCCATCTCAACATCCCTCATTAAGCAAATAGCCACTAAGGTACACCCTGG[A>G]GGCACAGTTAATCAGATCCTTGACGAATTCTATGGGCCAGAAAAGTCGCTTCAACCCATA-3'
Protein context (NP_689777.3, residues 2891-2911): IKQIATKVHP[Gly2901=]GTVNQILDEF